The following is an entry in ClinVar:

ClinVar aggregate classification (germline): Uncertain significance (1 of 4 stars; one submission).

Submission:

Dasa
Classification: Uncertain significance. Last evaluated: 2025-11-27. Review status: criteria provided, single submitter. Criteria: DASA Assertion Criteria. Collection method: clinical testing. Allele origin: germline.
Comment: NM_000168.6(GLI3):c.2480T>C (p.Leu827Pro) is a missense variant that results in the substitution of leucine with proline. This variant is absent from population databases. The currently available literature and clinical evidence are not sufficient to establish a definitive association between this variant and the reported condition. Therefore, this variant is classified as a variant of uncertain significance.

NM_000168.6(GLI3):c.2480T>C (p.Leu827Pro)

Gene: GLI3 (GLI family zinc finger 3; minus strand). Cytogenetic location: 7p14.1.
Variant type: single nucleotide variant.
Coding change: c.2480T>C on transcript NM_000168.6 (MANE Select); coding-DNA position 2480, T replaced by C.
Protein change: p.Leu827Pro; replaces leucine 827 with proline.
Molecular consequence: missense variant.
Genome position (GRCh38, 1-based): chr7:41,966,593, A>G on the plus strand (T>C on the coding strand, the complement: GLI3 is on the minus strand). VCF-style: chr7-41966593-A-G. GRCh37 (hg19) VCF-style: chr7-42006191-A-G.
Other names: short protein forms L827P.
Identifiers: ClinVar variation 4884989 (VCV004884989.2).